The following is an entry in ClinVar:

NM_000492.4(CFTR):c.415C>T (p.His139Tyr)

Gene: CFTR (CF transmembrane conductance regulator; plus strand). Cytogenetic location: 7q31.2.
Variant type: single nucleotide variant.
Coding change: c.415C>T on transcript NM_000492.4 (MANE Select); coding-DNA position 415, C replaced by T.
Protein change: p.His139Tyr; replaces histidine 139 with tyrosine.
Molecular consequence: missense variant.
Genome position (GRCh38, 1-based): chr7:117,531,040, C>T. VCF-style: chr7-117531040-C-T. GRCh37 (hg19) VCF-style: chr7-117171094-C-T.
Other names: short protein forms H139Y.
Identifiers: ClinVar variation 1738330 (VCV001738330.2), dbSNP rs1196059484, ClinGen allele CA368974732.

ClinVar aggregate classification (germline): Uncertain significance (1 of 4 stars; one submission).

Conditions:
Cystic fibrosis (CF). Also called: MUCOVISCIDOSIS. Identifiers: Orphanet 586, MedGen C0010674, MONDO:0009061, OMIM 219700. Disease mechanism: loss of function.

gnomAD v4.1: 1 of 1,613,796 alleles (0.000062%); highest among the groups gnomAD compares: South Asian, 0.0011%; no homozygotes.

Submission:

Ambry Genetics
Classification: Uncertain significance for Cystic fibrosis. Last evaluated: 2015-05-03. Review status: criteria provided, single submitter. Criteria: Ambry Variant Classification Scheme 2023. Collection method: clinical testing. Allele origin: germline.
Comment: The p.H139Y variant (also known as c.415C>T), located in coding exon 4 of the CFTR gene, results from a C to T substitution at nucleotide position 415. The histidine at codon 139 is replaced by tyrosine, an amino acid with similar properties. This variant was not reported in population based cohorts in the following databases: Database of Single Nucleotide Polymorphisms (dbSNP), NHLBI Exome Sequencing Project (ESP), and 1000 Genomes Project. In the ESP, this variant was not observed in 6503 samples (13006 alleles) with coverage at this position. This amino acid position is not well conserved in available vertebrate species. In addition, the in silico prediction for this alteration is inconclusive. Since supporting evidence is limited at this time, the clinical significance of p.H139Y remains unclear.